The following is an entry in ClinVar:

NM_003079.5(SMARCE1):c.34A>C (p.Thr12Pro)

Gene: SMARCE1 (SWI/SNF related BAF chromatin remodeling complex subunit E1; minus strand). Cytogenetic location: 17q21.2.
Variant type: single nucleotide variant.
Coding change: c.34A>C on transcript NM_003079.5 (MANE Select); coding-DNA position 34, A replaced by C.
Protein change: p.Thr12Pro; replaces threonine 12 with proline.
Molecular consequence: missense variant.
Genome position (GRCh38, 1-based): chr17:40,645,593, T>G on the plus strand (A>C on the coding strand, the complement: SMARCE1 is on the minus strand). VCF-style: chr17-40645593-T-G. GRCh37 (hg19) VCF-style: chr17-38801845-T-G.
Other names: short protein forms T12P.
Identifiers: ClinVar variation 930295 (VCV000930295.5), dbSNP rs2037247946, ClinGen allele CA399370956.

ClinVar aggregate classification (germline): Uncertain significance. Review status: criteria provided, multiple submitters, no conflicts (2 of 4 stars). 2 submissions from 2 submitters: Uncertain significance (2). Last evaluated 2021-10-06.

Conditions:
Hereditary cancer-predisposing syndrome. Also called: Neoplastic Syndromes, Hereditary; Hereditary Cancer Syndrome; Tumor predisposition; Hereditary neoplastic syndrome. Identifiers: Orphanet 140162, MedGen C0027672, MeSH D009386, MONDO:0015356.
Familial meningioma. Also called: Meningioma, familial, susceptibility to. Identifiers: Orphanet 263662, MedGen C3551915, MONDO:0011789, OMIM 607174.

Submissions (2):

Ambry Genetics
Classification: Uncertain significance for Hereditary cancer-predisposing syndrome. Last evaluated: 2021-10-06. Review status: criteria provided, single submitter. Criteria: Ambry Variant Classification Scheme 2023. Collection method: clinical testing. Allele origin: germline.

Centre for Mendelian Genomics, University Medical Centre Ljubljana
Classification: Uncertain significance for Familial meningioma. Last evaluated: 2020-01-10. Review status: criteria provided, single submitter. Criteria: ACMG Guidelines, 2015. Collection method: clinical testing. Allele origin: unknown. Affected: yes.
Comment: This variant was classified as: Uncertain significance. The available evidence on this variant's pathogenicity is insufficient or conflicting. The following ACMG criteria were applied in classifying this variant: PM2,BP1.